The following is an entry in ClinVar:

ClinVar aggregate classification (germline): Uncertain significance (1 of 4 stars; one submission).

Conditions:
Neuromuscular disease and ocular or auditory anomalies with or without seizures. Also called: NEUROMUSCULAR OCULOAUDITORY SYNDROME. Identifiers: MedGen C5231483, MONDO:0032890, OMIM 618733.

Submission:

Laboratorio de Genetica e Diagnostico Molecular, Hospital Israelita Albert Einstein
Classification: Uncertain significance for Neuromuscular disease and ocular or auditory anomalies with or without seizures. Last evaluated: 2026-02-06. Review status: criteria provided, single submitter. Criteria: ACMG Guidelines, 2015. Collection method: clinical testing. Allele origin: germline. Affected: yes.
Comment: ACMG classification criteria: PM2 supporting, PP2 supporting, BP4 supporting

NM_003587.5(DHX16):c.1465G>A (p.Glu489Lys)

Gene: DHX16 (DEAH-box helicase 16; minus strand). Cytogenetic location: 6p21.33.
Variant type: single nucleotide variant.
Coding change: c.1465G>A on transcript NM_003587.5 (MANE Select); coding-DNA position 1465, G replaced by A.
Protein change: p.Glu489Lys; replaces glutamic acid 489 with lysine.
Molecular consequence: missense variant. On other transcripts: 5 prime UTR variant (1).
Genome position (GRCh38, 1-based): chr6:30,662,706, C>T on the plus strand (G>A on the coding strand, the complement: DHX16 is on the minus strand). VCF-style: chr6-30662706-C-T. GRCh37 (hg19) VCF-style: chr6-30630483-C-T.
Other names: c.1285G>A, p.Glu429Lys (NM_001164239.2); c.-655G>A (NM_001363515.2); short protein forms E429K, E489K.
Identifiers: ClinVar variation 4846776 (VCV004846776.1).